The following is an entry in ClinVar:

ClinVar aggregate classification (germline): Uncertain significance. Review status: criteria provided, multiple submitters, no conflicts (2 of 4 stars). 4 submissions from 4 submitters: Uncertain significance (4). Last evaluated 2026-05-07.

Conditions:
RPGRIP1-related disorder. Also called: RPGRIP1-related condition.
Cone-rod dystrophy 13 (CORD13). Identifiers: Orphanet 1872, MedGen C2750720, MONDO:0011987, OMIM 608194.
Leber congenital amaurosis 6 (LCA6). Identifiers: Orphanet 65, MedGen C1854260, MONDO:0013446, OMIM 613826.

Allele frequency attached by ClinVar (database versions not stated): ExAC 0.00001; gnomAD exomes 0.00001 and 0.00002; TOPMed 0.00004; gnomAD 0.00007 and 0.00008.

Submissions (4):

PreventionGenetics, part of Exact Sciences
Classification: Uncertain significance for RPGRIP1-related condition. Last evaluated: 2026-05-07. Review status: criteria provided, single submitter. Criteria: ACMG Guidelines, 2015. Collection method: clinical testing. Allele origin: germline.
Comment: The RPGRIP1 c.2749G>A variant is predicted to result in the amino acid substitution p.Gly917Arg. To our knowledge, this variant has not been reported in the literature. This variant is present in 0.021% of alleles in individuals of African descent in gnomAD. At this time, the clinical significance of this variant is uncertain due to the absence of conclusive functional and genetic evidence.

Labcorp Genetics (formerly Invitae), Labcorp
Classification: Uncertain significance for Leber congenital amaurosis 6; Cone-rod dystrophy 13. Last evaluated: 2023-12-22. Review status: criteria provided, single submitter. Criteria: Invitae Variant Classification Sherloc (09022015). Collection method: clinical testing. Allele origin: germline.
Comment: This sequence change replaces glycine, which is neutral and non-polar, with arginine, which is basic and polar, at codon 917 of the RPGRIP1 protein (p.Gly917Arg). This variant is present in population databases (rs771761377, gnomAD 0.02%). This variant has not been reported in the literature in individuals affected with RPGRIP1-related conditions. ClinVar contains an entry for this variant (Variation ID: 1394143). Advanced modeling of protein sequence and biophysical properties (such as structural, functional, and spatial information, amino acid conservation, physicochemical variation, residue mobility, and thermodynamic stability) performed at Invitae indicates that this missense variant is expected to disrupt RPGRIP1 protein function with a positive predictive value of 80%. In summary, the available evidence is currently insufficient to determine the role of this variant in disease. Therefore, it has been classified as a Variant of Uncertain Significance.

Blueprint Genetics
Classification: Uncertain significance. Last evaluated: 2019-06-10. Review status: criteria provided, single submitter. Criteria: ACMG Guidelines, 2015. Collection method: clinical testing. Allele origin: germline.

Juno Genomics, Hangzhou Juno Genomics, Inc
Classification: Uncertain significance for Cone-rod dystrophy 13; Leber congenital amaurosis 6. Review status: criteria provided, single submitter. Criteria: ACMG Guidelines, 2015. Collection method: clinical testing. Allele origin: germline.
Comment: Absent from controls (or at extremely low frequency if recessive) in Genome Aggregation Database.;Multiple lines of computational evidence support a deleterious effect on the gene or gene product.

NM_020366.4(RPGRIP1):c.2749G>A (p.Gly917Arg)

Gene: RPGRIP1 (RPGR interacting protein 1; plus strand). Cytogenetic location: 14q11.2.
Variant type: single nucleotide variant.
Coding change: c.2749G>A on transcript NM_020366.4 (MANE Select); coding-DNA position 2749, G replaced by A.
Protein change: p.Gly917Arg; replaces glycine 917 with arginine.
Molecular consequence: missense variant.
Genome position (GRCh38, 1-based): chr14:21,327,661, G>A. VCF-style: chr14-21327661-G-A. GRCh37 (hg19) VCF-style: chr14-21795820-G-A.
Other names: c.2749G>A (NM_020366.3); c.727G>A, p.Gly243Arg (NM_001377523.1, NM_001377950.1); c.1675G>A, p.Gly559Arg (NM_001377948.1); c.835G>A, p.Gly279Arg (NM_001377949.1); c.229G>A, p.Gly77Arg (NM_001377951.1); short protein forms G243R, G279R, G917R, G559R, G77R.
Identifiers: ClinVar variation 1394143 (VCV001394143.9), dbSNP rs771761377, ClinGen allele CA7089343.